The following is an entry in ClinVar:

NM_005068.3(SIM1):c.1267G>A (p.Ala423Thr)

Genes: SIM1-AS1 (SIM1 antisense RNA 1; plus strand), SIM1 (SIM bHLH transcription factor 1; minus strand). Cytogenetic location: 6q16.3.
Variant type: single nucleotide variant.
Coding change: c.1267G>A on transcript NM_005068.3 (MANE Select); coding-DNA position 1267, G replaced by A.
Protein change: p.Ala423Thr; replaces alanine 423 with threonine.
Molecular consequence: missense variant. On other transcripts: non-coding transcript variant (1).
Genome position (GRCh38, 1-based): chr6:100,393,790, C>T on the plus strand (G>A on the coding strand, the complement: SIM1 is on the minus strand). VCF-style: chr6-100393790-C-T. GRCh37 (hg19) VCF-style: chr6-100841666-C-T.
Other names: c.1267G>A, p.Ala423Thr (NM_001374769.1); short protein forms A423T.
Identifiers: ClinVar variation 4988977 (VCV004988977.1).

ClinVar aggregate classification (germline): Uncertain significance (1 of 4 stars; one submission).

Conditions:
SIM1-related disorder. Also called: SIM1-related disorders; SIM1-related condition.

gnomAD v4.1: 14 of 1,613,988 alleles (0.00087%); highest among the groups gnomAD compares: East Asian, 0.0022%; no homozygotes.

Submission:

PreventionGenetics, part of Exact Sciences
Classification: Uncertain significance for SIM1-related condition. Last evaluated: 2025-07-17. Review status: criteria provided, single submitter. Criteria: ACMG Guidelines, 2015. Collection method: clinical testing. Allele origin: germline.
Comment: The SIM1 c.1267G>A variant is predicted to result in the amino acid substitution p.Ala423Thr. To our knowledge, this variant has not been reported in the literature. This variant is reported in 0.0054% of alleles in individuals of East Asian descent in gnomAD. At this time, the clinical significance of this variant is uncertain due to the absence of conclusive functional and genetic evidence.